The following is an entry in ClinVar:

ClinVar aggregate classification (germline): Likely benign (1 of 4 stars; one submission).

gnomAD v4.1: 2,226 of 1,574,530 alleles (0.14%); highest among the groups gnomAD compares: Non-Finnish European, 0.17%; 2 homozygotes.

Submission:

CeGaT Center for Human Genetics Tuebingen
Classification: Likely benign. Last evaluated: 2026-04-01. Review status: criteria provided, single submitter. Criteria: CeGaT Center For Human Genetics Tuebingen Variant Classification Criteria Version 2. Collection method: clinical testing. Allele origin: germline. Affected: yes. Observed: 1 variant allele.
Comment: PLIN4: BP4, BP7, BS1

NM_001367868.2(PLIN4):c.3018C>T (p.Ser1006=)

Gene: PLIN4 (perilipin 4; minus strand). Cytogenetic location: 19p13.3.
Variant type: single nucleotide variant.
Coding change: c.3018C>T on transcript NM_001367868.2 (MANE Select); coding-DNA position 3018, C replaced by T.
Protein change: p.Ser1006=; no amino-acid change (serine 1006 retained).
Molecular consequence: synonymous variant.
Genome position (GRCh38, 1-based): chr19:4,510,942, G>A on the plus strand (C>T on the coding strand, the complement: PLIN4 is on the minus strand). VCF-style: chr19-4510942-G-A. GRCh37 (hg19) VCF-style: chr19-4510954-G-A.
Other names: c.3021C>T, p.Ser1007= (NM_001393888.1, NM_001393889.1); c.3018C>T, p.Ser1006= (NM_001393890.1, NM_001393891.1).
Identifiers: ClinVar variation 4872017 (VCV004872017.2).